The following is an entry in ClinVar:

ClinVar aggregate classification (germline): Uncertain significance. Review status: criteria provided, multiple submitters, no conflicts (2 of 4 stars). 2 submissions from 2 submitters: Uncertain significance (2). Last evaluated 2026-08-24.

Conditions:
Arrhythmogenic right ventricular dysplasia 9 (ARVD9). Also called: Arrhythmogenic Right Ventricular Dysplasia/Cardiomyopathy 9; ARRHYTHMOGENIC RIGHT VENTRICULAR DYSPLASIA, FAMILIAL, 9. Identifiers: MedGen C1836906, MONDO:0012180, OMIM 609040.
Cardiovascular phenotype. Identifiers: MedGen CN230736.

Submissions (2):

Ambry Genetics
Classification: Uncertain significance for Cardiovascular phenotype. Last evaluated: 2026-08-24. Review status: criteria provided, single submitter. Criteria: Ambry Variant Classification Scheme 2023. Collection method: clinical testing. Allele origin: germline.
Comment: The p.Q457K variant (also known as c.1369C>A), located in coding exon 5 of the PKP2 gene, results from a C to A substitution at nucleotide position 1369. The glutamine at codon 457 is replaced by lysine, an amino acid with similar properties. This amino acid position is conserved. In addition, the in silico prediction for this alteration is inconclusive. Based on the available evidence, the clinical significance of this variant remains unclear.

Labcorp Genetics (formerly Invitae), Labcorp
Classification: Uncertain significance for Arrhythmogenic right ventricular dysplasia 9. Last evaluated: 2021-03-11. Review status: criteria provided, single submitter. Criteria: Invitae Variant Classification Sherloc (09022015). Collection method: clinical testing. Allele origin: germline.
Comment: In summary, the available evidence is currently insufficient to determine the role of this variant in disease. Therefore, it has been classified as a Variant of Uncertain Significance. Algorithms developed to predict the effect of missense changes on protein structure and function (SIFT, PolyPhen-2, Align-GVGD) all suggest that this variant is likely to be disruptive, but these predictions have not been confirmed by published functional studies and their clinical significance is uncertain. This variant has not been reported in the literature in individuals with PKP2-related conditions. This variant is not present in population databases (ExAC no frequency). This sequence change replaces glutamine with lysine at codon 457 of the PKP2 protein (p.Gln457Lys). The glutamine residue is highly conserved and there is a small physicochemical difference between glutamine and lysine.

NM_001005242.3(PKP2):c.1369C>A (p.Gln457Lys)

Gene: PKP2 (plakophilin 2; minus strand). Cytogenetic location: 12p11.21.
Variant type: single nucleotide variant.
Coding change: c.1369C>A on transcript NM_001005242.3 (MANE Select); coding-DNA position 1369, C replaced by A.
Protein change: p.Gln457Lys; replaces glutamine 457 with lysine.
Molecular consequence: missense variant.
Genome position (GRCh38, 1-based): chr12:32,850,775, G>T on the plus strand (C>A on the coding strand, the complement: PKP2 is on the minus strand). VCF-style: chr12-32850775-G-T. GRCh37 (hg19) VCF-style: chr12-33003709-G-T.
Other names: c.1369C>A, p.Gln457Lys (NM_004572.4); c.1369C>A (NM_004572.3); short protein forms Q457K.
Identifiers: ClinVar variation 1442889 (VCV001442889.9), dbSNP rs1956688410, ClinGen allele CA384369562.
Genomic context (GRCh38, chr12:32,850,775, plus strand): 5'-TCTGGCTGGGGTGCAAATGTGTTAGGTTCTTCAATGTTCAGTAAGCACTACCTGTTATTT[G>T]TTTTTTAGTCTCCAAGTCTCTGGTTTGCTTCAGCACCTGGAGCAGCCGAGGTACCCCATT-3'
Protein context (NP_001005242.2, residues 447-467): KQTRDLETKK[Gln457Lys]ITGLLWNLSS